The following is an entry in ClinVar:

ClinVar aggregate classification (germline): Uncertain significance (1 of 4 stars; one submission).

gnomAD v4.1: 1 of 1,525,990 alleles (0.000066%); highest among the groups gnomAD compares: Non-Finnish European, 0.000088%; no homozygotes.

Submission:

Labcorp Genetics (formerly Invitae), Labcorp
Classification: Uncertain significance. Last evaluated: 2024-07-08. Review status: criteria provided, single submitter. Criteria: Invitae Variant Classification Sherloc (09022015). Collection method: clinical testing. Allele origin: germline.
Comment: This sequence change replaces arginine, which is basic and polar, with cysteine, which is neutral and slightly polar, at codon 219 of the ARID1A protein (p.Arg219Cys). This variant is not present in population databases (gnomAD no frequency). This variant has not been reported in the literature in individuals affected with ARID1A-related conditions. Advanced modeling of protein sequence and biophysical properties (such as structural, functional, and spatial information, amino acid conservation, physicochemical variation, residue mobility, and thermodynamic stability) performed at Invitae indicates that this missense variant is not expected to disrupt ARID1A protein function with a negative predictive value of 95%. In summary, the available evidence is currently insufficient to determine the role of this variant in disease. Therefore, it has been classified as a Variant of Uncertain Significance.

NM_006015.6(ARID1A):c.655C>T (p.Arg219Cys)

Genes: ARID1A (AT-rich interaction domain 1A; plus strand), LOC129929837 (ATAC-STARR-seq lymphoblastoid silent region 489; plus strand). Cytogenetic location: 1p36.11.
Variant type: single nucleotide variant.
Coding change: c.655C>T on transcript NM_006015.6 (MANE Select); coding-DNA position 655, C replaced by T.
Protein change: p.Arg219Cys; replaces arginine 219 with cysteine.
Molecular consequence: missense variant.
Genome position (GRCh38, 1-based): chr1:26,697,058, C>T. VCF-style: chr1-26697058-C-T. GRCh37 (hg19) VCF-style: chr1-27023549-C-T.
Other names: c.655C>T, p.Arg219Cys (NM_139135.4); short protein forms R219C.
Identifiers: ClinVar variation 3616265 (VCV003616265.2).